The following is an entry in ClinVar:

NM_032830.3(UTP4):c.1369A>G (p.Asn457Asp)

Gene: UTP4 (UTP4 small subunit processome component). Cytogenetic location: 16q22.1.
Variant type: single nucleotide variant.
Coding change: c.1369A>G on transcript NM_032830.3 (MANE Select); coding-DNA position 1369, A replaced by G.
Protein change: p.Asn457Asp; replaces asparagine 457 with aspartic acid.
Molecular consequence: missense variant.
Genome position (GRCh38, 1-based): chr16:69,157,165, A>G. VCF-style: chr16-69157165-A-G. GRCh37 (hg19) VCF-style: chr16-69191068-A-G.
Other names: c.1120A>G, p.Asn374Asp (NM_001318391.2); short protein forms N457D, N374D.
Identifiers: ClinVar variation 4991223 (VCV004991223.1).

ClinVar aggregate classification (germline): Uncertain significance (1 of 4 stars; one submission).

Conditions:
UTP4-related disorder. Also called: UTP4-related condition.

Submission:

PreventionGenetics, part of Exact Sciences
Classification: Uncertain significance for UTP4-related condition. Last evaluated: 2026-04-09. Review status: criteria provided, single submitter. Criteria: ACMG Guidelines, 2015. Collection method: clinical testing. Allele origin: germline.
Comment: The UTP4 c.1369A>G variant is predicted to result in the amino acid substitution p.Asn457Asp. To our knowledge, this variant has not been reported in the literature. This variant is reported in 0.00088% of alleles in individuals of European (Non-Finnish) descent in gnomAD. At this time, the clinical significance of this variant is uncertain due to the absence of conclusive functional and genetic evidence.